The following is an entry in ClinVar:

NM_000369.5(TSHR):c.1547C>T (p.Thr516Ile)

Genes: TSHR (thyroid stimulating hormone receptor; plus strand), TSHR-AS1 (TSHR antisense RNA 1; minus strand). Cytogenetic location: 14q31.1.
Variant type: single nucleotide variant.
Coding change: c.1547C>T on transcript NM_000369.5 (MANE Select); coding-DNA position 1547, C replaced by T.
Protein change: p.Thr516Ile; replaces threonine 516 with isoleucine.
Molecular consequence: missense variant.
Genome position (GRCh38, 1-based): chr14:81,143,605, C>T. VCF-style: chr14-81143605-C-T. GRCh37 (hg19) VCF-style: chr14-81609949-C-T.
Other names: short protein forms T516I.
Identifiers: ClinVar variation 4839915 (VCV004839915.1).
Genomic context (GRCh38, chr14:81,143,605, plus strand): 5'-CGGCTGGTTTCTTCACTGTCTTTGCAAGCGAGTTATCGGTGTATACGCTGACGGTCATCA[C>T]CCTGGAGCGCTGGTATGCCATCACCTTCGCCATGCGCCTGGACCGGAAGATCCGCCTCAG-3'
Protein context (NP_000360.2, residues 506-526): ELSVYTLTVI[Thr516Ile]LERWYAITFA

ClinVar aggregate classification (germline): Uncertain significance (1 of 4 stars; one submission).

Conditions:
Inborn genetic diseases. Identifiers: MedGen C0950123, MeSH D030342.

gnomAD v4.1: 1 of 1,613,812 alleles (0.000062%); highest among the groups gnomAD compares: Non-Finnish European, 0.000085%; no homozygotes.

Submission:

Ambry Genetics
Classification: Uncertain significance for Inborn genetic diseases. Last evaluated: 2026-02-16. Review status: criteria provided, single submitter. Criteria: Ambry Variant Classification Scheme 2023. Collection method: clinical testing. Allele origin: germline.
Comment: The c.1547C>T (p.T516I) alteration is located in exon 10 (coding exon 10) of the TSHR gene. This alteration results from a C to T substitution at nucleotide position 1547, causing the threonine (T) at amino acid position 516 to be replaced by an isoleucine (I). Based on data from gnomAD, the T allele has an overall frequency of <0.001% (1/251174) total alleles studied. The highest observed frequency was 0.001% (1/113696) of European (non-Finnish) alleles. Based on insufficient or conflicting evidence, the clinical significance of this alteration remains unclear.